The following is an entry in ClinVar:

NM_001943.5(DSG2):c.53T>G (p.Phe18Cys)

Gene: DSG2 (desmoglein 2; plus strand). Cytogenetic location: 18q12.1.
Variant type: single nucleotide variant.
Coding change: c.53T>G on transcript NM_001943.5 (MANE Select); coding-DNA position 53, T replaced by G.
Protein change: p.Phe18Cys; replaces phenylalanine 18 with cysteine.
Molecular consequence: missense variant.
Genome position (GRCh38, 1-based): chr18:31,518,246, T>G. VCF-style: chr18-31518246-T-G. GRCh37 (hg19) VCF-style: chr18-29098209-T-G.
Other names: short protein forms F18C.
Identifiers: ClinVar variation 3073806 (VCV003073806.2), dbSNP rs960627545, ClinGen allele CA297727532.

ClinVar aggregate classification (germline): Uncertain significance. Review status: criteria provided, multiple submitters, no conflicts (2 of 4 stars). 2 submissions from 2 submitters: Uncertain significance (2). Last evaluated 2023-10-06.

Conditions:
Cardiomyopathy (CMYO). Also called: Cardiomyopathies. Identifiers: Orphanet 167848, MedGen C0878544, MONDO:0004994, HP:0001638. Inheritance: Various modes of inheritance.
Arrhythmogenic right ventricular cardiomyopathy (ARVD). Also called: Arrhythmogenic right ventricular dysplasia; Cardiomyopathy, ARVC; Arrhythmogenic cardiomyopathy; Arrhythmogenic Right Ventricular Cardiomyopathy (ARVC). Identifiers: Orphanet 247, MedGen C0349788, MeSH D019571, MONDO:0016587. Disease mechanism: loss of function. Inheritance: Various modes of inheritance.

Allele frequency attached by ClinVar (database versions not stated): gnomAD exomes below 0.00001; TOPMed below 0.00001.
gnomAD v4.1: 1 of 1,612,974 alleles (0.000062%); highest among the groups gnomAD compares: Non-Finnish European, 0.000085%; no homozygotes.

Submissions (2):

All of Us Research Program, National Institutes of Health
Classification: Uncertain significance for Arrhythmogenic right ventricular cardiomyopathy. Last evaluated: 2023-10-06. Review status: criteria provided, single submitter. Criteria: ACMG Guidelines, 2015. Collection method: clinical testing. Allele origin: germline. Inheritance: Autosomal dominant inheritance. Observed: 1 variant allele, 1 heterozygote.
Comment: This missense variant replaces phenylalanine with cysteine at codon 18 of the DSG2 protein. Computational prediction suggests that this variant may not impact protein structure and function (internally defined REVEL score threshold <= 0.5, PMID: 27666373). To our knowledge, functional studies have not been reported for this variant. This variant has not been reported in individuals affected with DSG2-related disorders in the literature. This variant has not been identified in the general population by the Genome Aggregation Database (gnomAD). The available evidence is insufficient to determine the role of this variant in disease conclusively. Therefore, this variant is classified as a Variant of Uncertain Significance.

This study involves interpretation of variants in research participants for the purpose of population health screening. Participant phenotype was not available at the time of variant classification. Additional details can be found in publication PMID: 35346344, PMCID: PMC8962531

Color Diagnostics, LLC DBA Color Health
Classification: Uncertain significance for Cardiomyopathy. Last evaluated: 2023-09-27. Review status: criteria provided, single submitter. Criteria: ACMG Guidelines, 2015. Collection method: clinical testing. Allele origin: germline.
Comment: This missense variant replaces phenylalanine with cysteine at codon 18 of the DSG2 protein. Computational prediction suggests that this variant may not impact protein structure and function. To our knowledge, functional studies have not been reported for this variant. This variant has not been reported in individuals affected with DSG2-related disorders in the literature. This variant has not been identified in the general population by the Genome Aggregation Database (gnomAD). The available evidence is insufficient to determine the role of this variant in disease conclusively. Therefore, this variant is classified as a Variant of Uncertain Significance.